The following is an entry in ClinVar:

ClinVar aggregate classification (germline): Uncertain significance. Review status: criteria provided, multiple submitters, no conflicts (2 of 4 stars). 2 submissions from 2 submitters: Uncertain significance (2). Last evaluated 2024-07-16.

gnomAD v4.1: 33 of 1,613,080 alleles (0.002%); highest among the groups gnomAD compares: Admixed American, 0.027%; no homozygotes.

Submissions (2):

Ambry Genetics
Classification: Uncertain significance. Last evaluated: 2024-07-16. Review status: criteria provided, single submitter. Criteria: Ambry Variant Classification Scheme 2023. Collection method: clinical testing. Allele origin: germline.

Labcorp Genetics (formerly Invitae), Labcorp
Classification: Uncertain significance. Last evaluated: 2024-03-04. Review status: criteria provided, single submitter. Criteria: Invitae Variant Classification Sherloc (09022015). Collection method: clinical testing. Allele origin: germline.
Comment: This sequence change replaces arginine, which is basic and polar, with glutamine, which is neutral and polar, at codon 46 of the ADD3 protein (p.Arg46Gln). This variant is present in population databases (rs758014351, gnomAD 0.03%). This variant has not been reported in the literature in individuals affected with ADD3-related conditions. Advanced modeling of protein sequence and biophysical properties (such as structural, functional, and spatial information, amino acid conservation, physicochemical variation, residue mobility, and thermodynamic stability) performed at Invitae indicates that this missense variant is not expected to disrupt ADD3 protein function with a negative predictive value of 80%. In summary, the available evidence is currently insufficient to determine the role of this variant in disease. Therefore, it has been classified as a Variant of Uncertain Significance.

NM_016824.5(ADD3):c.137G>A (p.Arg46Gln)

Gene: ADD3 (adducin 3; plus strand). Cytogenetic location: 10q25.2.
Variant type: single nucleotide variant.
Coding change: c.137G>A on transcript NM_016824.5 (MANE Select); coding-DNA position 137, G replaced by A.
Protein change: p.Arg46Gln; replaces arginine 46 with glutamine.
Molecular consequence: missense variant. On other transcripts: 5 prime UTR variant (1).
Genome position (GRCh38, 1-based): chr10:110,100,790, G>A. VCF-style: chr10-110100790-G-A. GRCh37 (hg19) VCF-style: chr10-111860548-G-A.
Other names: c.137G>A, p.Arg46Gln (NM_001121.4, NM_001320591.2, NM_001320592.2 and 2 more transcripts); c.-152G>A (NM_001320594.2); short protein forms R46Q.
Identifiers: ClinVar variation 3495564 (VCV003495564.2).
Genomic context (GRCh38, chr10:110,100,790, plus strand): 5'-ACCGCATCAATGAAAATGACCCAGAATACATTAGGGAGAGGAACATGTCTCCTGATCTAC[G>A]ACAAGACTTCAACATGATGGAGCAGAGGAAACGAGTTACTCAGATCCTGCAAAGTCCTGT-3'
Protein context (NP_058432.1, residues 36-56): IRERNMSPDL[Arg46Gln]QDFNMMEQRK